The following is an entry in ClinVar:

ClinVar aggregate classification (germline): Uncertain significance (1 of 4 stars; one submission).

gnomAD v4.1: 1 of 1,613,970 alleles (0.000062%); highest among the groups gnomAD compares: Non-Finnish European, 0.000085%; no homozygotes.

Submission:

GeneDx
Classification: Uncertain significance. Last evaluated: 2024-12-11. Review status: criteria provided, single submitter. Criteria: GeneDx Variant Classification Process June 2021. Collection method: clinical testing. Allele origin: germline. Affected: yes.
Comment: Not observed at significant frequency in large population cohorts (gnomAD); In silico analysis supports that this missense variant has a deleterious effect on protein structure/function; Has not been previously published as pathogenic or benign to our knowledge

NM_001127222.2(CACNA1A):c.1855C>T (p.Leu619Phe)

Gene: CACNA1A (calcium voltage-gated channel subunit alpha1 A; minus strand). Cytogenetic location: 19p13.13.
Variant type: single nucleotide variant.
Coding change: c.1855C>T on transcript NM_001127222.2 (MANE Select); coding-DNA position 1855, C replaced by T.
Protein change: p.Leu619Phe; replaces leucine 619 with phenylalanine.
Molecular consequence: missense variant.
Genome position (GRCh38, 1-based): chr19:13,308,178, G>A on the plus strand (C>T on the coding strand, the complement: CACNA1A is on the minus strand). VCF-style: chr19-13308178-G-A. GRCh37 (hg19) VCF-style: chr19-13418992-G-A.
Other names: c.1858C>T, p.Leu620Phe (NM_000068.4, NM_001127221.2, NM_001174080.2 and 1 more transcripts); short protein forms L619F, L620F.
Identifiers: ClinVar variation 3903421 (VCV003903421.1).